The following is an entry in ClinVar:

NM_022772.4(EPS8L2):c.55G>A (p.Gly19Ser)

Gene: EPS8L2 (EPS8 signaling adaptor L2; plus strand). Cytogenetic location: 11p15.5.
Variant type: single nucleotide variant.
Coding change: c.55G>A on transcript NM_022772.4 (MANE Select); coding-DNA position 55, G replaced by A.
Protein change: p.Gly19Ser; replaces glycine 19 with serine.
Molecular consequence: missense variant.
Genome position (GRCh38, 1-based): chr11:709,563, G>A. VCF-style: chr11-709563-G-A. GRCh37 (hg19) VCF-style: chr11-709563-G-A.
Other names: c.55G>A (NM_022772.3); short protein forms G19S.
Identifiers: ClinVar variation 1908196 (VCV001908196.6), dbSNP rs959180926, ClinGen allele CA216925299.

ClinVar aggregate classification (germline): Uncertain significance. Review status: criteria provided, multiple submitters, no conflicts (2 of 4 stars). 2 submissions from 2 submitters: Uncertain significance (2). Last evaluated 2024-01-16.

Allele frequency attached by ClinVar (database versions not stated): gnomAD 0.00003; TOPMed 0.00003.
gnomAD v4.1: 13 of 1,612,938 alleles (0.00081%); highest among the groups gnomAD compares: Admixed American, 0.0017%; no homozygotes.

Submissions (2):

Ambry Genetics
Classification: Uncertain significance. Last evaluated: 2024-01-16. Review status: criteria provided, single submitter. Criteria: Ambry Variant Classification Scheme 2023. Collection method: clinical testing. Allele origin: germline.

Labcorp Genetics (formerly Invitae), Labcorp
Classification: Uncertain significance. Last evaluated: 2022-10-13. Review status: criteria provided, single submitter. Criteria: Invitae Variant Classification Sherloc (09022015). Collection method: clinical testing. Allele origin: germline.
Comment: This sequence change replaces glycine, which is neutral and non-polar, with serine, which is neutral and polar, at codon 19 of the EPS8L2 protein (p.Gly19Ser). This variant is present in population databases (no rsID available, gnomAD 0.003%). This variant has not been reported in the literature in individuals affected with EPS8L2-related conditions. Algorithms developed to predict the effect of missense changes on protein structure and function (SIFT, PolyPhen-2, Align-GVGD) all suggest that this variant is likely to be tolerated. In summary, the available evidence is currently insufficient to determine the role of this variant in disease. Therefore, it has been classified as a Variant of Uncertain Significance.